The following is an entry in ClinVar:

ClinVar aggregate classification (germline): Benign/Likely benign. Review status: criteria provided, multiple submitters, no conflicts (2 of 4 stars). 3 submissions from 3 submitters: Benign (1); Likely benign (2). Last evaluated 2025-08-19.

Conditions:
VCAN-related disorder. Also called: VCAN-related condition.

Allele frequency attached by ClinVar (database versions not stated): ESP Exome Variant Server 0.00008; gnomAD 0.00009 and 0.00010.
gnomAD v4.1: 77 of 1,613,970 alleles (0.0048%); highest among the groups gnomAD compares: Non-Finnish European, 0.0061%; no homozygotes.

Submissions (3):

PreventionGenetics, part of Exact Sciences
Classification: Likely benign for VCAN-related condition. Last evaluated: 2025-08-19. Review status: criteria provided, single submitter. Criteria: ACMG Guidelines, 2015. Collection method: clinical testing. Allele origin: germline.
Comment: This variant is classified as likely benign based on ACMG/AMP sequence variant interpretation guidelines (Richards et al. 2015 PMID: 25741868, with internal and published modifications).

Labcorp Genetics (formerly Invitae), Labcorp
Classification: Benign. Last evaluated: 2025-02-17. Review status: criteria provided, single submitter. Criteria: Invitae Variant Classification Sherloc (09022015). Collection method: clinical testing. Allele origin: germline.

Blueprint Genetics
Classification: Likely benign. Last evaluated: 2024-10-30. Review status: criteria provided, single submitter. Criteria: ACMG Guidelines, 2015. Collection method: clinical testing. Allele origin: germline.

NM_004385.5(VCAN):c.1251T>C (p.Asp417=)

Gene: VCAN (versican; plus strand). Cytogenetic location: 5q14.3.
Variant type: single nucleotide variant.
Coding change: c.1251T>C on transcript NM_004385.5 (MANE Select); coding-DNA position 1251, T replaced by C.
Protein change: p.Asp417=; no amino-acid change (aspartic acid 417 retained).
Molecular consequence: synonymous variant. On other transcripts: intron variant (2).
Genome position (GRCh38, 1-based): chr5:83,519,557, T>C. VCF-style: chr5-83519557-T-C. GRCh37 (hg19) VCF-style: chr5-82815376-T-C.
Other names: c.1251T>C, p.Asp417= (NM_001164098.2); c.1042+7161T>C (NM_001164097.2, NM_001126336.3); c.1251T>C (NM_004385.4).
Identifiers: ClinVar variation 1167308 (VCV001167308.11), dbSNP rs371700683, ClinGen allele CA3332635.